The following is an entry in ClinVar:

NM_004944.4(DNASE1L3):c.572A>G (p.Asn191Ser)

Gene: DNASE1L3 (deoxyribonuclease 1L3; minus strand). Cytogenetic location: 3p14.3.
Variant type: single nucleotide variant.
Coding change: c.572A>G on transcript NM_004944.4 (MANE Select); coding-DNA position 572, A replaced by G.
Protein change: p.Asn191Ser; replaces asparagine 191 with serine.
Molecular consequence: missense variant.
Genome position (GRCh38, 1-based): chr3:58,197,953, T>C on the plus strand (A>G on the coding strand, the complement: DNASE1L3 is on the minus strand). VCF-style: chr3-58197953-T-C. GRCh37 (hg19) VCF-style: chr3-58183680-T-C.
Other names: c.482A>G, p.Asn161Ser (NM_001256560.2); short protein forms N161S, N191S.
Identifiers: ClinVar variation 3248531 (VCV003248531.3), dbSNP rs2471306385.

ClinVar aggregate classification (germline): Pathogenic (1 of 4 stars; one submission).

Conditions:
Autosomal systemic lupus erythematosus type 16. Also called: Systemic lupus erythematosus 16. Identifiers: Orphanet 300345, MedGen C3280742, MONDO:0013743, OMIM 614420.

Allele frequency attached by ClinVar (database versions not stated): gnomAD exomes below 0.00001.
gnomAD v4.1: 3 of 1,613,136 alleles (0.00019%); highest among the groups gnomAD compares: Non-Finnish European, 0.00025%; no homozygotes.

Submission:

UAEU Genomics Laboratory, United Arab Emirates University
Classification: Pathogenic for Autosomal systemic lupus erythematosus type 16. Last evaluated: 2024-11-26. Review status: criteria provided, single submitter. Criteria: ACMG Guidelines, 2015. Collection method: clinical testing. Allele origin: germline. Inheritance: Autosomal recessive inheritance. Affected: yes. Observed: 6 variant alleles.
Comment: The missense variant NM_004944.4(DNASE1L3):c.572A>G has not been reported previously as a pathogenic or benign variant. This variant is not observed in large population databases such as gnomAD. This variant was found to segregate with disease in multiple affected individuals (n=7) in three unrelated families (from the same ancestral tribe). Computational prediction tools indicate that this change can have a deleterious effect on the protein structure/function, which has been confirmed by in vitro functional studies performed at the submitter's laboratory. For these reasons this variant has been classified as likely pathogenic (PM2, PP3, PS3, PP1_M).